The following is an entry in ClinVar:

NM_000264.5(PTCH1):c.202G>C (p.Gly68Arg)

Gene: PTCH1 (patched 1; minus strand). Cytogenetic location: 9q22.32.
Variant type: single nucleotide variant.
Coding change: c.202G>C on transcript NM_000264.5 (MANE Select); coding-DNA position 202, G replaced by C.
Protein change: p.Gly68Arg; replaces glycine 68 with arginine.
Molecular consequence: missense variant. On other transcripts: 5 prime UTR variant (4), non-coding transcript variant (1).
Genome position (GRCh38, 1-based): chr9:95,506,599, C>G on the plus strand (G>C on the coding strand, the complement: PTCH1 is on the minus strand). VCF-style: chr9-95506599-C-G. GRCh37 (hg19) VCF-style: chr9-98268881-C-G.
Other names: c.4G>C, p.Gly2Arg (NM_001083602.3, NM_001354919.2); c.199G>C, p.Gly67Arg (NM_001083603.3); c.-252G>C (NM_001083604.3, NM_001083605.3, NM_001083606.3 and 1 more transcripts); c.202G>C, p.Gly68Arg (NM_001354918.2); short protein forms G2R, G67R, G68R.
Identifiers: ClinVar variation 5027470 (VCV005027470.1).

ClinVar aggregate classification (germline): Uncertain significance (1 of 4 stars; one submission).

Conditions:
Hereditary cancer-predisposing syndrome. Also called: Neoplastic Syndromes, Hereditary; Tumor predisposition; Hereditary neoplastic syndrome; Hereditary Cancer Syndrome. Identifiers: Orphanet 140162, MedGen C0027672, MeSH D009386, MONDO:0015356.

Submission:

Ambry Genetics
Classification: Uncertain significance for Hereditary cancer-predisposing syndrome. Last evaluated: 2026-07-06. Review status: criteria provided, single submitter. Criteria: Ambry Variant Classification Scheme 2023. Collection method: clinical testing. Allele origin: germline.
Comment: The p.G2R variant (also known as c.4G>C) is located in coding exon 2 of the PTCH1 gene. The glycine at codon 2 is replaced by arginine, an amino acid with dissimilar properties. This change occurs in the first base pair of coding exon 2. This amino acid position is conserved. In addition, this alteration is predicted to be deleterious by in silico analysis. Based on the available evidence, the clinical significance of this variant remains unclear.